The following is an entry in ClinVar:

NM_006469.5(IVNS1ABP):c.1172A>G (p.His391Arg)

Gene: IVNS1ABP (influenza virus NS1A binding protein; minus strand). Cytogenetic location: 1q25.3.
Variant type: single nucleotide variant.
Coding change: c.1172A>G on transcript NM_006469.5 (MANE Select); coding-DNA position 1172, A replaced by G.
Protein change: p.His391Arg; replaces histidine 391 with arginine.
Molecular consequence: missense variant.
Genome position (GRCh38, 1-based): chr1:185,300,507, T>C on the plus strand (A>G on the coding strand, the complement: IVNS1ABP is on the minus strand). VCF-style: chr1-185300507-T-C. GRCh37 (hg19) VCF-style: chr1-185269639-T-C.
Other names: short protein forms H391R.
Identifiers: ClinVar variation 4980398 (VCV004980398.1).

ClinVar aggregate classification (germline): Uncertain significance (1 of 4 stars; one submission).

Conditions:
IVNS1ABP-related disorder. Also called: IVNS1ABP-related condition.

gnomAD v4.1: 149 of 1,613,636 alleles (0.0092%); highest among the groups gnomAD compares: Admixed American, 0.015%; no homozygotes.

Submission:

PreventionGenetics, part of Exact Sciences
Classification: Uncertain significance for IVNS1ABP-related condition. Last evaluated: 2024-12-06. Review status: criteria provided, single submitter. Criteria: ACMG Guidelines, 2015. Collection method: clinical testing. Allele origin: germline.
Comment: The IVNS1ABP c.1172A>G variant is predicted to result in the amino acid substitution p.His391Arg. To our knowledge, this variant has not been reported in the literature. This variant is reported in 0.019% of alleles in individuals of European (Non-Finnish) descent in gnomAD. At this time, the clinical significance of this variant is uncertain due to the absence of conclusive functional and genetic evidence.